The following is an entry in ClinVar:

ClinVar aggregate classification (germline): Uncertain significance (1 of 4 stars; one submission).

Conditions:
Immunodeficiency, common variable, 4. Also called: ANTIBODY DEFICIENCY DUE TO BAFFR DEFECT. Identifiers: Orphanet 1572, Orphanet 696925, MedGen C3150739, MONDO:0013284, OMIM 613494.

gnomAD v4.1: 1 of 1,610,580 alleles (0.000062%); highest among the groups gnomAD compares: Non-Finnish European, 0.000085%; no homozygotes.

Submission:

Labcorp Genetics (formerly Invitae), Labcorp
Classification: Uncertain significance for Immunodeficiency, common variable, 4. Last evaluated: 2024-11-10. Review status: criteria provided, single submitter. Criteria: Invitae Variant Classification Sherloc (09022015). Collection method: clinical testing. Allele origin: germline.
Comment: This sequence change replaces glycine, which is neutral and non-polar, with valine, which is neutral and non-polar, at codon 97 of the TNFRSF13C protein (p.Gly97Val). This variant is present in population databases (rs751314971, gnomAD 0.001%). This variant has not been reported in the literature in individuals affected with TNFRSF13C-related conditions. An algorithm developed to predict the effect of missense changes on protein structure and function (PolyPhen-2) suggests that this variant is likely to be disruptive. In summary, the available evidence is currently insufficient to determine the role of this variant in disease. Therefore, it has been classified as a Variant of Uncertain Significance.

NM_052945.4(TNFRSF13C):c.290G>T (p.Gly97Val)

Genes: TNFRSF13C (TNF receptor superfamily member 13C; minus strand), LOC130067574 (ATAC-STARR-seq lymphoblastoid silent region 13813; plus strand). Cytogenetic location: 22q13.2.
Variant type: single nucleotide variant.
Coding change: c.290G>T on transcript NM_052945.4 (MANE Select); coding-DNA position 290, G replaced by T.
Protein change: p.Gly97Val; replaces glycine 97 with valine.
Molecular consequence: missense variant.
Genome position (GRCh38, 1-based): chr22:41,926,178, C>A on the plus strand (G>T on the coding strand, the complement: TNFRSF13C is on the minus strand). VCF-style: chr22-41926178-C-A. GRCh37 (hg19) VCF-style: chr22-42322182-C-A.
Other names: short protein forms G97V.
Identifiers: ClinVar variation 3723104 (VCV003723104.2).